The following is an entry in ClinVar:

ClinVar aggregate classification (germline): Uncertain significance. Review status: criteria provided, multiple submitters, no conflicts (2 of 4 stars). 2 submissions from 2 submitters: Uncertain significance (2). Last evaluated 2023-12-13.

Allele frequency attached by ClinVar (database versions not stated): ExAC 0.00002; 1000 Genomes Project 30x 0.00109.

Submissions (2):

Mayo Clinic Laboratories, Mayo Clinic
Classification: Uncertain significance. Last evaluated: 2023-12-13. Review status: criteria provided, single submitter. Criteria: ACMG Guidelines, 2015. Collection method: clinical testing. Allele origin: germline. Observed: 1 variant allele.
Comment: BP4

Labcorp Genetics (formerly Invitae), Labcorp
Classification: Uncertain significance. Last evaluated: 2022-08-07. Review status: criteria provided, single submitter. Criteria: Invitae Variant Classification Sherloc (09022015). Collection method: clinical testing. Allele origin: germline.
Comment: This sequence change falls in intron 3 of the PLA2G4A gene. It does not directly change the encoded amino acid sequence of the PLA2G4A protein. It affects a nucleotide within the consensus splice site. The frequency data for this variant in the population databases is considered unreliable, as metrics indicate poor data quality at this position in the gnomAD database. This variant has not been reported in the literature in individuals affected with PLA2G4A-related conditions. Variants that disrupt the consensus splice site are a relatively common cause of aberrant splicing (PMID: 17576681, 9536098). Algorithms developed to predict the effect of sequence changes on RNA splicing suggest that this variant is not likely to affect RNA splicing. In summary, the available evidence is currently insufficient to determine the role of this variant in disease. Therefore, it has been classified as a Variant of Uncertain Significance.

Literature cited by the submitters: PubMed 17576681 (cited by Labcorp Genetics (formerly Invitae), Labcorp); PubMed 9536098 (cited by Labcorp Genetics (formerly Invitae), Labcorp).

NM_024420.3(PLA2G4A):c.115+4_115+5dup

Gene: PLA2G4A (phospholipase A2 group IVA; plus strand). Cytogenetic location: 1q31.1.
Variant type: Duplication.
Coding change: c.115+4_115+5dup on transcript NM_024420.3 (MANE Select); bases 4 to 5 of the intron after coding-DNA position 115, 2 bases duplicated (AG; older notation c.115+4_115+5dupAG).
Molecular consequence: intron variant.
Genome position (GRCh38, 1-based): chr1:186,870,520-186,870,521, AG duplicated. VCF-style (leftmost placement, unchanged base first): chr1-186870519-A-AAG. GRCh37 (hg19) VCF-style: chr1-186839651-A-AAG.
Other names: p.?; c.115+4_115+5dup (NM_001311193.2, NM_024420.2).
Identifiers: ClinVar variation 2064033 (VCV002064033.2), dbSNP rs757481718, ClinGen allele CA1299819.